The following is an entry in ClinVar:

NM_000169.3(GLA):c.640-11T>C

Genes: GLA (galactosidase alpha; minus strand), RPL36A-HNRNPH2 (RPL36A-HNRNPH2 readthrough; plus strand). Cytogenetic location: Xq22.1.
Variant type: single nucleotide variant.
Coding change: c.640-11T>C on transcript NM_000169.3 (MANE Select); 11 bases into the intron before coding-DNA position 640, T replaced by C.
Molecular consequence: intron variant.
Genome position (GRCh38, 1-based): chrX:101,398,957, A>G on the plus strand (T>C on the coding strand, the complement: GLA is on the minus strand). VCF-style: chrX-101398957-A-G. GRCh37 (hg19) VCF-style: chrX-100653945-A-G.
Other names: c.300+3500A>G (NM_001199973.2); c.177+7135A>G (NM_001199974.2); c.763-11T>C (NM_001406747.1); c.640-11T>C (NM_001406748.1).
Identifiers: ClinVar variation 237124 (VCV000237124.15), dbSNP rs782634293, ClinGen allele CA031687.

ClinVar aggregate classification (germline): Likely benign. Review status: criteria provided, multiple submitters, no conflicts (2 of 4 stars). 4 submissions from 4 submitters: Likely benign (4). Last evaluated 2025-07-28.

Conditions:
Fabry disease. Also called: HEREDITARY DYSTOPIC LIPIDOSIS; Angiokeratoma corporis diffusum; Ceramide trihexosidosis; Fabry's disease; ALPHA-GALACTOSIDASE A DEFICIENCY; ANDERSON-FABRY DISEASE. Identifiers: Orphanet 324, MedGen C0002986, MONDO:0010526, OMIM 301500, HP:0001071. Disease mechanism: Fabry disease is due to inactivating mutations in the X-linked GLA gene resulting in deficiency of the enzyme Alpha Galactosidase-A., loss of function.

Allele frequency attached by ClinVar (database versions not stated): gnomAD exomes below 0.00001 and 0.00001; ExAC 0.00001; gnomAD 0.00001.
gnomAD v4.1: 2 of 1,188,786 alleles (0.00017%); highest among the groups gnomAD compares: Non-Finnish European, 0.00023%; no homozygotes.

Submissions (4):

Labcorp Genetics (formerly Invitae), Labcorp
Classification: Likely benign for Fabry disease. Last evaluated: 2025-07-28. Review status: criteria provided, single submitter. Criteria: Invitae Variant Classification Sherloc (09022015). Collection method: clinical testing. Allele origin: germline.

All of Us Research Program, National Institutes of Health
Classification: Likely benign for Fabry disease. Last evaluated: 2023-02-15. Review status: criteria provided, single submitter. Criteria: ACMG Guidelines, 2015. Collection method: clinical testing. Allele origin: germline. Inheritance: X-linked inheritance. Observed: 1 variant allele, 1 heterozygote.
Comment: This study involves interpretation of variants in research participants for the purpose of population health screening. Participant phenotype was not available at the time of variant classification. Additional details can be found in publication PMID: 35346344, PMCID: PMC8962531

GeneDx
Classification: Likely benign. Last evaluated: 2019-03-26. Review status: criteria provided, single submitter. Criteria: GeneDx Variant Classification Process June 2021. Collection method: clinical testing. Allele origin: germline. Affected: yes.

Color Diagnostics, LLC DBA Color Health
Classification: Likely benign for Fabry disease. Last evaluated: 2019-02-16. Review status: criteria provided, single submitter. Criteria: ACMG Guidelines, 2015. Collection method: clinical testing. Allele origin: germline.